The following is an entry in ClinVar:

ClinVar aggregate classification (germline): Uncertain significance. Review status: criteria provided, multiple submitters, no conflicts (2 of 4 stars). 4 submissions from 4 submitters: Uncertain significance (2). 2 of the submissions do not count toward it. Last evaluated 2024-09-18.

Conditions:
Charcot-Marie-Tooth Neuropathy X. Identifiers: MedGen CN118851.
Charcot-Marie-Tooth disease. Also called: Charcot-Marie-Tooth Neuropathy; Charcot-Marie-Tooth Hereditary Neuropathy. Identifiers: Orphanet 166, MedGen C0007959, MONDO:0015626.

Allele frequency attached by ClinVar (database versions not stated): gnomAD 0.00001; ExAC 0.00004; gnomAD exomes 0.00005; 1000 Genomes Project 30x 0.00021; 1000 Genomes Project 0.00026.
gnomAD v4.1: 14 of 1,208,174 alleles (0.0012%); no homozygotes.

Submissions (4):

Blueprint Genetics
Classification: Uncertain significance. Last evaluated: 2024-09-18. Review status: criteria provided, single submitter. Criteria: ACMG Guidelines, 2015. Collection method: clinical testing. Allele origin: germline.

Labcorp Genetics (formerly Invitae), Labcorp
Classification: Uncertain significance for Charcot-Marie-Tooth Neuropathy X. Last evaluated: 2017-06-28. Review status: criteria provided, single submitter. Criteria: Invitae Variant Classification Sherloc (09022015). Collection method: clinical testing. Allele origin: germline.
Comment: In summary, the available evidence is currently insufficient to determine the role of this variant in disease. Therefore, it has been classified as a Variant of Uncertain Significance. Algorithms developed to predict the effect of missense changes on protein structure and function do not agree on the potential impact of this missense change (SIFT: "Deleterious"; PolyPhen-2: "Possibly Damaging"; Align-GVGD: "Class C0"). This variant has been reported in an individual affected with Charcot Marie Tooth disease type 1 (PMID: 23838279). This variant is present in population databases (rs200774406, ExAC 0.03%). This sequence change replaces arginine with cysteine at codon 238 of the GJB1 protein (p.Arg238Cys). The arginine residue is moderately conserved and there is a large physicochemical difference between arginine and cysteine.

Natera, Inc.
Classification: Uncertain significance for Charcot-Marie-Tooth disease. Last evaluated: 2020-12-07. Review status: no assertion criteria provided. Collection method: clinical testing. Allele origin: germline. Not counted in ClinVar's aggregate classification.

Inherited Neuropathy Consortium
Classification: Uncertain significance for Charcot-Marie-Tooth disease. Review status: no assertion criteria provided. Collection method: literature only. Allele origin: germline. Affected: yes. Not counted in ClinVar's aggregate classification.

Literature cited by the submitters: PubMed 23838279 (cited by Labcorp Genetics (formerly Invitae), Labcorp and Inherited Neuropathy Consortium).

NM_000166.6(GJB1):c.712C>T (p.Arg238Cys)

Gene: GJB1 (gap junction protein beta 1; plus strand). Cytogenetic location: Xq13.1.
Variant type: single nucleotide variant.
Coding change: c.712C>T on transcript NM_000166.6 (MANE Select); coding-DNA position 712, C replaced by T.
Protein change: p.Arg238Cys; replaces arginine 238 with cysteine.
Molecular consequence: missense variant.
Genome position (GRCh38, 1-based): chrX:71,224,419, C>T. VCF-style: chrX-71224419-C-T. GRCh37 (hg19) VCF-style: chrX-70444269-C-T.
Other names: c.712C>T, p.Arg238Cys (NM_001097642.3); short protein forms R238C.
Identifiers: ClinVar variation 477603 (VCV000477603.14), dbSNP rs200774406, ClinGen allele CA10445337.
Genomic context (GRCh38, chrX:71,224,419, plus strand): 5'-GCCCGCCGAGCCCAGCGCCGCTCCAATCCACCTTCCCGCAAGGGCTCGGGCTTCGGCCAC[C>T]GCCTCTCACCTGAATACAAGCAGAATGAGATCAACAAGCTGCTGAGTGAGCAGGATGGCT-3'
Protein context (NP_000157.1, residues 228-248): PSRKGSGFGH[Arg238Cys]LSPEYKQNEI